The following is an entry in ClinVar:

NM_001401501.2(MUC16):c.10838G>A (p.Arg3613His)

Gene: MUC16 (mucin 16, cell surface associated; minus strand). Cytogenetic location: 19p13.2.
Variant type: single nucleotide variant.
Coding change: c.10838G>A on transcript NM_001401501.2 (MANE Select); coding-DNA position 10838, G replaced by A.
Protein change: p.Arg3613His; replaces arginine 3613 with histidine.
Molecular consequence: missense variant.
Genome position (GRCh38, 1-based): chr19:8,966,052, C>T on the plus strand (G>A on the coding strand, the complement: MUC16 is on the minus strand). VCF-style: chr19-8966052-C-T. GRCh37 (hg19) VCF-style: chr19-9076728-C-T.
Other names: c.11264G>A, p.Arg3755His (NM_001414686.1); c.10718G>A, p.Arg3573His (NM_001414687.1, NM_024690.2); short protein forms R3573H, R3613H, R3755H.
Identifiers: ClinVar variation 3060186 (VCV003060186.2), dbSNP rs2591594, ClinGen allele CA9171403.
Genomic context (GRCh38, chr19:8,966,052, plus strand): 5'-GTCCAGGAATCTGATGCAGCTGTGGAAGACCAGGTGGAAGGGTGTTCTGTAGAAGTTGTG[C>T]GCCTCTCTGTGGCCGGGGTGCTGTCCATGGTACTCATACCCACTTCTGGGTTGGGTGTGG-3'
Protein context (NP_001388430.1, residues 3603-3623): TMDSTPATER[Arg3613His]TTSTEHPSTW

ClinVar aggregate classification (germline): Benign (0 of 4 stars; one submission).

Conditions:
MUC16-related disorder. Also called: MUC16-related condition.

Allele frequency attached by ClinVar (database versions not stated): 1000 Genomes Project 0.24820; 1000 Genomes Project 30x 0.24922; gnomAD 0.25955; TOPMed 0.26168; ESP Exome Variant Server 0.26238; ExAC 0.26291.

Submission:

PreventionGenetics, part of Exact Sciences
Classification: Benign for MUC16-related condition. Last evaluated: 2019-10-22. Review status: no assertion criteria provided. Collection method: clinical testing. Allele origin: germline.
Comment: This variant is classified as benign based on ACMG/AMP sequence variant interpretation guidelines (Richards et al. 2015 PMID: 25741868, with internal and published modifications).